The following is an entry in ClinVar:

NM_018718.3(CEP41):c.977G>T (p.Arg326Leu)

Gene: CEP41 (centrosomal protein 41; minus strand). Cytogenetic location: 7q32.2.
Variant type: single nucleotide variant.
Coding change: c.977G>T on transcript NM_018718.3 (MANE Select); coding-DNA position 977, G replaced by T.
Protein change: p.Arg326Leu; replaces arginine 326 with leucine.
Molecular consequence: missense variant. On other transcripts: non-coding transcript variant (1).
Genome position (GRCh38, 1-based): chr7:130,399,036, C>A on the plus strand (G>T on the coding strand, the complement: CEP41 is on the minus strand). VCF-style: chr7-130399036-C-A. GRCh37 (hg19) VCF-style: chr7-130038877-C-A.
Other names: c.761G>T, p.Arg254Leu (NM_001257158.2); c.713G>T, p.Arg238Leu (NM_001257159.2); c.977G>T (NM_018718.1); short protein forms R238L, R254L, R326L.
Identifiers: ClinVar variation 846237 (VCV000846237.9), dbSNP rs782387467, ClinGen allele CA4485415.

ClinVar aggregate classification (germline): Uncertain significance. Review status: criteria provided, multiple submitters, no conflicts (2 of 4 stars). 2 submissions from 2 submitters: Uncertain significance (2). Last evaluated 2025-04-03.

Conditions:
Inborn genetic diseases. Identifiers: MedGen C0950123, MeSH D030342.
Joubert syndrome 15 (JBTS15). Identifiers: Orphanet 475, MedGen C3280897, MONDO:0013763, OMIM 614464.

gnomAD v4.1: 38 of 1,613,830 alleles (0.0024%); highest among the groups gnomAD compares: Non-Finnish European, 0.0031%; no homozygotes.

Submissions (2):

Ambry Genetics
Classification: Uncertain significance for Inborn genetic diseases. Last evaluated: 2025-04-03. Review status: criteria provided, single submitter. Criteria: Ambry Variant Classification Scheme 2023. Collection method: clinical testing. Allele origin: germline.

Labcorp Genetics (formerly Invitae), Labcorp
Classification: Uncertain significance for Joubert syndrome 15. Last evaluated: 2022-08-06. Review status: criteria provided, single submitter. Criteria: Invitae Variant Classification Sherloc (09022015). Collection method: clinical testing. Allele origin: germline.
Comment: This sequence change replaces arginine, which is basic and polar, with leucine, which is neutral and non-polar, at codon 326 of the CEP41 protein (p.Arg326Leu). This variant is present in population databases (rs782387467, gnomAD 0.007%). This variant has not been reported in the literature in individuals affected with CEP41-related conditions. ClinVar contains an entry for this variant (Variation ID: 846237). Algorithms developed to predict the effect of missense changes on protein structure and function are either unavailable or do not agree on the potential impact of this missense change (SIFT: "Deleterious"; PolyPhen-2: "Possibly Damaging"; Align-GVGD: "Class C0"). In summary, the available evidence is currently insufficient to determine the role of this variant in disease. Therefore, it has been classified as a Variant of Uncertain Significance.